The following is an entry in ClinVar:

NM_003872.3(NRP2):c.2425+9490A>G

Gene: NRP2 (neuropilin 2; plus strand). Cytogenetic location: 2q33.3.
Variant type: single nucleotide variant.
Coding change: c.2425+9490A>G on transcript NM_003872.3 (MANE Select); 9490 bases into the intron after coding-DNA position 2425, A replaced by G.
Molecular consequence: intron variant. On other transcripts: missense variant (2).
Genome position (GRCh38, 1-based): chr2:205,776,293, A>G. VCF-style: chr2-205776293-A-G. GRCh37 (hg19) VCF-style: chr2-206641017-A-G.
Other names: c.2488A>G, p.Met830Val (NM_018534.4); c.2473A>G, p.Met825Val (NM_201267.2); c.2440+9475A>G (NM_201266.2); c.2425+9490A>G (NM_201279.2); short protein forms M825V, M830V.
Identifiers: ClinVar variation 4989800 (VCV004989800.1).

ClinVar aggregate classification (germline): Uncertain significance (1 of 4 stars; one submission).

Conditions:
NRP2-related disorder. Also called: NRP2-related condition.

gnomAD v4.1: 1 of 1,613,252 alleles (0.000062%); highest among the groups gnomAD compares: Non-Finnish European, 0.000085%; no homozygotes.

Submission:

PreventionGenetics, part of Exact Sciences
Classification: Uncertain significance for NRP2-related condition. Last evaluated: 2026-05-22. Review status: criteria provided, single submitter. Criteria: ACMG Guidelines, 2015. Collection method: clinical testing. Allele origin: germline.
Comment: The NRP2 c.2473A>G variant is predicted to result in the amino acid substitution p.Met825Val. To our knowledge, this variant has not been reported in the literature or in a large population database (gnomAD), indicating this variant is rare. At this time, the clinical significance of this variant is uncertain due to the absence of conclusive functional and genetic evidence.